The following is an entry in ClinVar:

NM_020693.4(DSCAML1):c.3676A>G (p.Ile1226Val)

Gene: DSCAML1 (DS cell adhesion molecule like 1; minus strand). Cytogenetic location: 11q23.3.
Variant type: single nucleotide variant.
Coding change: c.3676A>G on transcript NM_020693.4 (MANE Select); coding-DNA position 3676, A replaced by G.
Protein change: p.Ile1226Val; replaces isoleucine 1226 with valine.
Molecular consequence: missense variant.
Genome position (GRCh38, 1-based): chr11:117,450,581, T>C on the plus strand (A>G on the coding strand, the complement: DSCAML1 is on the minus strand). VCF-style: chr11-117450581-T-C. GRCh37 (hg19) VCF-style: chr11-117321297-T-C.
Other names: c.3856A>G (NM_020693.2); short protein forms I1226V.
Identifiers: ClinVar variation 1982053 (VCV001982053.5), dbSNP rs1183795222, ClinGen allele CA382729176.

ClinVar aggregate classification (germline): Uncertain significance. Review status: criteria provided, multiple submitters, no conflicts (2 of 4 stars). 2 submissions from 2 submitters: Uncertain significance (2). Last evaluated 2025-03-26.

Allele frequency attached by ClinVar (database versions not stated): gnomAD exomes 0.00001; TOPMed 0.00001; gnomAD 0.00002.
gnomAD v4.1: 16 of 1,614,048 alleles (0.00099%); highest among the groups gnomAD compares: Admixed American, 0.0017%; no homozygotes.

Submissions (2):

Ambry Genetics
Classification: Uncertain significance. Last evaluated: 2025-03-26. Review status: criteria provided, single submitter. Criteria: Ambry Variant Classification Scheme 2023. Collection method: clinical testing. Allele origin: germline.

Labcorp Genetics (formerly Invitae), Labcorp
Classification: Uncertain significance. Last evaluated: 2023-08-27. Review status: criteria provided, single submitter. Criteria: Invitae Variant Classification Sherloc (09022015). Collection method: clinical testing. Allele origin: germline.
Comment: This sequence change replaces isoleucine, which is neutral and non-polar, with valine, which is neutral and non-polar, at codon 1286 of the DSCAML1 protein (p.Ile1286Val). This variant is present in population databases (no rsID available, gnomAD 0.003%). This variant has not been reported in the literature in individuals affected with DSCAML1-related conditions. ClinVar contains an entry for this variant (Variation ID: 1982053). Algorithms developed to predict the effect of missense changes on protein structure and function output the following: SIFT: "Not Available"; PolyPhen-2: "Benign"; Align-GVGD: "Not Available". The valine amino acid residue is found in multiple mammalian species, which suggests that this missense change does not adversely affect protein function. In summary, the available evidence is currently insufficient to determine the role of this variant in disease. Therefore, it has been classified as a Variant of Uncertain Significance.